The following is an entry in ClinVar:

NM_000264.5(PTCH1):c.2393T>A (p.Phe798Tyr)

Genes: PTCH1 (patched 1; minus strand), LOC100507346 (uncharacterized LOC100507346; plus strand). Cytogenetic location: 9q22.32.
Variant type: single nucleotide variant.
Coding change: c.2393T>A on transcript NM_000264.5 (MANE Select); coding-DNA position 2393, T replaced by A.
Protein change: p.Phe798Tyr; replaces phenylalanine 798 with tyrosine.
Molecular consequence: missense variant.
Genome position (GRCh38, 1-based): chr9:95,467,283, A>T on the plus strand (T>A on the coding strand, the complement: PTCH1 is on the minus strand). VCF-style: chr9-95467283-A-T. GRCh37 (hg19) VCF-style: chr9-98229565-A-T.
Other names: c.2195T>A, p.Phe732Tyr (NM_001083602.3); c.2390T>A, p.Phe797Tyr (NM_001083603.3); c.1940T>A, p.Phe647Tyr (NM_001083604.3, NM_001083605.3, NM_001083606.3 and 1 more transcripts); c.2237T>A, p.Phe746Tyr (NM_001354918.2); short protein forms F746Y, F797Y, F732Y, F798Y, F647Y.
Identifiers: ClinVar variation 2564386 (VCV002564386.2), dbSNP rs2117964544, ClinGen allele CA374114370.

ClinVar aggregate classification (germline): Uncertain significance (1 of 4 stars; one submission).

Conditions:
Hereditary cancer-predisposing syndrome. Also called: Neoplastic Syndromes, Hereditary; Hereditary Cancer Syndrome; Hereditary neoplastic syndrome; Tumor predisposition. Identifiers: Orphanet 140162, MedGen C0027672, MeSH D009386, MONDO:0015356.

Submission:

Ambry Genetics
Classification: Uncertain significance for Hereditary cancer-predisposing syndrome. Last evaluated: 2023-04-26. Review status: criteria provided, single submitter. Criteria: Ambry Variant Classification Scheme 2023. Collection method: clinical testing. Allele origin: germline.
Comment: The p.F798Y variant (also known as c.2393T>A), located in coding exon 15 of the PTCH1 gene, results from a T to A substitution at nucleotide position 2393. The phenylalanine at codon 798 is replaced by tyrosine, an amino acid with highly similar properties. This amino acid position is conserved. In addition, this alteration is predicted to be deleterious by in silico analysis. Since supporting evidence is limited at this time, the clinical significance of this alteration remains unclear.